The following is an entry in ClinVar:

ClinVar aggregate classification (germline): Benign. Review status: criteria provided, multiple submitters, no conflicts (2 of 4 stars). 2 submissions from 2 submitters: Benign (2). Last evaluated 2018-06-19.

Allele frequency attached by ClinVar (database versions not stated): gnomAD exomes 0.84735; TOPMed 0.86310; gnomAD 0.87072; 1000 Genomes Project 30x 0.90537; 1000 Genomes Project 0.90795.
gnomAD v4.1: 653,496 of 768,146 alleles (85%); highest among the groups gnomAD compares: East Asian, 96%; 278,887 homozygotes.

Submissions (2):

GeneDx
Classification: Benign. Last evaluated: 2018-06-19. Review status: criteria provided, single submitter. Criteria: GeneDx Variant Classification (06012015). Collection method: clinical testing. Allele origin: germline. Affected: yes.
Comment: This variant is considered likely benign or benign based on one or more of the following criteria: it is a conservative change, it occurs at a poorly conserved position in the protein, it is predicted to be benign by multiple in silico algorithms, and/or has population frequency not consistent with disease.

Breakthrough Genomics
Classification: Benign. Review status: criteria provided, single submitter. Criteria: ACMG Guidelines, 2015. Collection method: not provided. Allele origin: germline. Inheritance: Autosomal recessive inheritance. Affected: yes.

NM_000274.4(OAT):c.1015-103A>C

Gene: OAT (ornithine aminotransferase; minus strand). Cytogenetic location: 10q26.13.
Variant type: single nucleotide variant.
Coding change: c.1015-103A>C on transcript NM_000274.4 (MANE Select); 103 bases into the intron before coding-DNA position 1015, A replaced by C.
Molecular consequence: intron variant.
Genome position (GRCh38, 1-based): chr10:124,401,087, T>G on the plus strand (A>C on the coding strand, the complement: OAT is on the minus strand). VCF-style: chr10-124401087-T-G. GRCh37 (hg19) VCF-style: chr10-126089656-T-G.
Other names: c.1015-103A>C (NM_001322965.2, NM_001322969.2, NM_001322966.2 and 3 more transcripts); c.601-103A>C (NM_001171814.2); c.415-103A>C (NM_001322974.2); c.694-103A>C (NM_001322971.2).
Identifiers: ClinVar variation 683256 (VCV000683256.2), dbSNP rs2459215, ClinGen allele CA13231758.